The following continues an entry in ClinVar:

NM_003104.6(SORD):c.757del (p.Ala253fs)

Gene: SORD. ClinVar aggregate classification (germline): Pathogenic/Likely pathogenic. Pathogenic (34); Likely pathogenic (4).

Submissions 31 to 42 of 42:

Laboratory for Molecular Medicine, Mass General Brigham Personalized Medicine
Classification: Pathogenic for Neuromuscular disease. Last evaluated: 2021-01-27. Review status: criteria provided, single submitter. Criteria: ACMG Guidelines, 2015. Collection method: clinical testing. Allele origin: germline. Inheritance: Autosomal recessive inheritance.
Comment: The p.Ala253GlnfsX27 variant in SORD has been reported in European, East Asian, and Egyptian individuals with clinical diagnoses of Charcot-Marie-Tooth disease 2 or distal hereditary neuropathy, all of whom were homozygous or also carried a second SORD variant. This variant also segregated with disease in 7 affected individuals from 6 families (Cortese 2020, PMID: 32367058; Dong 2021, PMID: 33397963). The p.Ala253GlnfsX27 variant has been identified in 0.06% (15/24486) of African chromosomes by gnomAD, and has also been reported in ClinVar (Variation ID: 929258). This variant is predicted to cause a frameshift, which alters the protein’s amino acid sequence beginning at position 253 and leads to a premature termination codon 27 amino acids downstream. This alteration is then predicted to lead to a truncated or absent protein. Loss of function of the SORD gene is strongly associated with autosomal recessive sorbitol dehydrogenase deficiency with peripheral neuropathy. In vitro functional studies support an impact on protein function (Cortese 2020, PMID: 32367058; Dong 2021, PMID: 33397963). In summary, this variant meets criteria to be classified as pathogenic for autosomal recessive sorbitol dehydrogenase deficiency with peripheral neuropathy. ACMG/AMP Criteria applied: PVS1_Strong, PP1_Strong, PM3, PS3_Moderate.

Greenwood Genetic Center Diagnostic Laboratories, Greenwood Genetic Center
Classification: Pathogenic. Last evaluated: 2021-01-04. Review status: criteria provided, single submitter. Criteria: ACMG Guidelines, 2015. Collection method: clinical testing. Allele origin: germline. Affected: yes.
Comment: PVS1, PP1, PM3

Ambry Genetics
Classification: Pathogenic for Inborn genetic diseases. Last evaluated: 2020-06-05. Review status: criteria provided, single submitter. Criteria: Ambry Variant Classification Scheme 2023. Collection method: clinical testing. Allele origin: germline.
Comment: The c.757delG (p.A253Qfs*27) alteration, located in coding exon 7 of the SORD gene, results from a deletion of one nucleotide at position 757, causing a translational frameshift with a predicted alternate stop codon after 27 amino acids. This alteration is expected to result in loss of function by premature protein truncation or nonsense-mediated mRNA decay. Based on data from the Genome Aggregation Database (gnomAD), the SORD c.757delG (p.A253Qfs*27) alteration was observed in 0.0415% (115/277,146) of total alleles studied, with a frequency of 0.0613% (15/24,486) in the African subpopulation. One homozygote was observed. This alteration has been observed homozygous in 38 families and compound heterozygous with a second alteration in 7 families affected with neuropathy (Cortese, 2020). Based on the available evidence, this alteration is classified as pathogenic.

Clinical Genetics Service, Universitary Hospital 12 de Octubre
Classification: Pathogenic for Neuronopathy, distal hereditary motor, autosomal recessive 8. Review status: criteria provided, single submitter. Criteria: ACMG Guidelines, 2015. Collection method: clinical testing. Allele origin: germline. Affected: yes.

Equipe Genetique des Anomalies du Developpement, Université de Bourgogne
Classification: Likely pathogenic for Neuronopathy, distal hereditary motor, autosomal recessive 8. Review status: criteria provided, single submitter. Criteria: ACMG Guidelines, 2015. Collection method: clinical testing. Allele origin: inherited. Affected: yes.

Juno Genomics, Hangzhou Juno Genomics, Inc
Classification: Pathogenic for Neuronopathy, distal hereditary motor, autosomal recessive 8. Review status: criteria provided, single submitter. Criteria: ACMG Guidelines, 2015. Collection method: clinical testing. Allele origin: germline.
Comment: Null variant in a gene where loss of function (LOF) is a known mechanism of disease.;For recessive disorders, detected in trans with a pathogenic variant.;Patient's phenotype or family history is highly specific for a disease with a single genetic etiology.;Co-segregation with disease in multiple affected family members.

Neuberg Centre For Genomic Medicine, NCGM
Classification: Pathogenic for Neuronopathy, distal hereditary motor, autosomal recessive 8. Review status: criteria provided, single submitter. Criteria: ACMG Guidelines, 2015. Collection method: clinical testing. Allele origin: germline. Inheritance: Autosomal recessive inheritance. Affected: yes.
Comment: The frameshift variant c.757del (p.Ala253GlnfsTer27) in the SORD gene has been reported previously in homozygous state in individuals affected with distal hereditary motor neuropathy and Charcot-Marie-Tooth disease (Alluqmani et al., 2022; Yuan et al., 2021). This variant is reported with the allele frequency (0.04%) in the gnomAD Exomes. It has been submitted to ClinVar as Pathogenic/ Likely Pathogenic. This variant is predicted to cause a loss of normal protein function through protein truncation. Loss of function variants has been previously reported to be disease-causing. For these reasons, this variant has been classified as Pathogenic. In the absence of another reportable variant, the molecular diagnosis is not confirmed.

Rady Children's Institute for Genomic Medicine, Rady Children's Hospital San Diego
Classification: Pathogenic for Sorbitol dehydrogenase deficiency with peripheral neuropathy. Review status: criteria provided, single submitter. Criteria: ACMG Guidelines, 2015. Collection method: clinical testing. Allele origin: germline. Affected: yes.
Comment: This frameshifting variant in exon 7 of 9 introduces a premature stop codon and is therefore predicted to result in loss of normal protein function through either protein truncation or nonsense-mediated mRNA decay (NMD). This variant has been previously reported as a compound heterozygous and homozygous change in patients with sorbitol dehydrogenase deficiency with peripheral neuropathy (PMID: 32367057, 32367058, 33381078, 33314640). The c.757del (p.Ala253GlnfsTer27) variant is present in the heterozygous state in the gnomAD population database at a frequency of 0.041% (115/277146) and in the homozygous state in 1 individual. Experimental studies showed that this variant reduces SORD mRNA expression and protein levels (PMID: 33397963, 32367058). Based on the available evidence, the c.757del (p.Ala253GlnfsTer27) variant is classified as Pathogenic.

OMIM
Classification: Pathogenic for NEURONOPATHY, DISTAL HEREDITARY MOTOR, AUTOSOMAL RECESSIVE 8. Last evaluated: 2023-10-17. Review status: no assertion criteria provided. Collection method: literature only. Allele origin: germline. Not counted in ClinVar's aggregate classification.

Solve-RD Consortium
Classification: Likely pathogenic for Neuronopathy, distal hereditary motor, autosomal recessive 8. Last evaluated: 2022-06-01. Review status: no assertion criteria provided. Collection method: provider interpretation. Allele origin: inherited. Affected: yes. Not counted in ClinVar's aggregate classification.
Comment: Variant confirmed as disease-causing by referring clinical team

Variant identified during reanalysis of unsolved cases by the Solve-RD project. The Solve-RD project has received funding from the European Union’s Horizon 2020 research and innovation programme under grant agreement No 779257.

Clinical Genetics Laboratory, University Hospital Schleswig-Holstein
Classification: Pathogenic for Neuronopathy, distal hereditary motor, autosomal recessive 8. Last evaluated: 2022-05-02. Review status: no assertion criteria provided. Collection method: clinical testing. Allele origin: germline. Affected: yes. Not counted in ClinVar's aggregate classification.

Genomics England Pilot Project, Genomics England
Classification: Likely pathogenic for Neuronopathy, distal hereditary motor, autosomal recessive 8. Review status: no assertion criteria provided. Criteria: ACGS Guidelines, 2016. Collection method: clinical testing. Allele origin: germline. Affected: yes. Not counted in ClinVar's aggregate classification.

Literature cited by the submitters: PubMed 32367058 (cited by 13 submitters); PubMed 33381078 (cited by 3 submitters); PubMed 33397963 (cited by 6 submitters); PubMed 33875678 (cited by 6 submitters); PubMed 9604875 (cited by Variantyx, Inc.); PubMed 33314640 (cited by Variantyx, Inc.); PubMed 34819907 (cited by Dasa and OMIM); PubMed 8622605 (cited by Nutriplexity); PubMed 32457452 (cited by Ambry Genetics); PubMed 33201363 (cited by Ambry Genetics); PubMed 39825153 (cited by Solve-RD Consortium).